The following is an entry in ClinVar:

ClinVar aggregate classification (germline): Pathogenic (1 of 4 stars; one submission).

Conditions:
Familial adenomatous polyposis 1 (FAP1). Also called: FAMILIAL ADENOMATOUS POLYPOSIS 1, ATTENUATED; POLYPOSIS, ADENOMATOUS INTESTINAL. Identifiers: MedGen C2713442, MONDO:0021056, OMIM 175100. Disease mechanism: loss of function.

Submission:

Labcorp Genetics (formerly Invitae), Labcorp
Classification: Pathogenic for Familial adenomatous polyposis 1. Last evaluated: 2019-05-04. Review status: criteria provided, single submitter. Criteria: Invitae Variant Classification Sherloc (09022015). Collection method: clinical testing. Allele origin: germline.
Comment: A different truncation (p.Tyr2645Lysfs*14) that lies downstream of this variant has been determined to be pathogenic (PMID: 9824584, 1316610, 27081525, 8381579, 22135120, Invitae). This suggests that deletion of this region of the APC protein is causative of disease. For these reasons, this variant has been classified as Pathogenic. This variant is expected to disrupt the EB1 and HDLG binding sites, which mediate interactions with the cytoskeleton (PMID: 15311282, 17293347). While functional studies have not been performed to directly test the effect on APC protein function, this suggests that disruption of the C-terminal portion of the protein is functionally important. This variant has not been reported in the literature in individuals with APC-related conditions. This variant is not present in population databases (ExAC no frequency). This sequence change results in a premature translational stop signal in the APC gene (p.Leu1382Glnfs*9). While this is not anticipated to result in nonsense mediated decay, it is expected to disrupt the last 1,462 amino acids of the APC protein.

Literature cited by the submitters: PubMed 9824584; PubMed 1316610; PubMed 27081525; PubMed 8381579; PubMed 22135120; PubMed 15311282; PubMed 17293347.

NM_000038.6(APC):c.4145_4155del (p.Leu1382fs)

Gene: APC (APC regulator of Wnt signaling pathway; plus strand). Cytogenetic location: 5q22.2.
Variant type: Deletion.
Coding change: c.4145_4155del on transcript NM_000038.6 (MANE Select); coding-DNA positions 4145 to 4155, 11 bases deleted (TCATGTTTAGC).
Protein change: p.Leu1382fs; shifts the reading frame from leucine 1382.
Molecular consequence: frameshift variant.
Genome position (GRCh38, 1-based): chr5:112,839,739-112,839,749, TCATGTTTAGC deleted; deleting any 11 consecutive bases within chr5:112,839,738-112,839,749 gives the same sequence; the c. name uses the placement nearest the transcript's 3' end. VCF-style (leftmost placement, unchanged base first): chr5-112839737-ACTCATGTTTAG-A. GRCh37 (hg19) VCF-style: chr5-112175434-ACTCATGTTTAG-A.
Other names: c.4145_4155del, p.Leu1382fs (NM_001127510.3, NM_001354895.2); c.4091_4101del, p.Leu1364fs (NM_001127511.3); c.4199_4209del, p.Leu1400fs (NM_001354896.2); c.4175_4185del, p.Leu1392fs (NM_001354897.2); c.4070_4080del, p.Leu1357fs (NM_001354898.2); c.4061_4071del, p.Leu1354fs (NM_001354899.2); c.4022_4032del, p.Leu1341fs (NM_001354900.2); c.3968_3978del, p.Leu1323fs (NM_001354901.2); and 5 more; short protein forms L1256fs, L1341fs, L1357fs, L1382fs, L1392fs, L1400fs, L1099fs, L1222fs.
Identifiers: ClinVar variation 843696 (VCV000843696.11), dbSNP rs1765615722, ClinGen allele CA916080355.